The following is an entry in ClinVar:

ClinVar aggregate classification (germline): Uncertain significance (1 of 4 stars; one submission).

Submission:

Labcorp Genetics (formerly Invitae), Labcorp
Classification: Uncertain significance. Last evaluated: 2022-03-18. Review status: criteria provided, single submitter. Criteria: Invitae Variant Classification Sherloc (09022015). Collection method: clinical testing. Allele origin: germline.
Comment: Algorithms developed to predict the effect of missense changes on protein structure and function output the following: SIFT: "Deleterious"; PolyPhen-2: "Benign"; Align-GVGD: "Class C0". The valine amino acid residue is found in multiple mammalian species, which suggests that this missense change does not adversely affect protein function. ClinVar contains an entry for this variant (Variation ID: 949858). In summary, the available evidence is currently insufficient to determine the role of this variant in disease. Therefore, it has been classified as a Variant of Uncertain Significance. This sequence change replaces alanine, which is neutral and non-polar, with valine, which is neutral and non-polar, at codon 950 of the CACNA2D4 protein (p.Ala950Val). This variant is not present in population databases (gnomAD no frequency). This variant has not been reported in the literature in individuals affected with CACNA2D4-related conditions.

NM_172364.5(CACNA2D4):c.2849C>T (p.Ala950Val)

Gene: CACNA2D4 (calcium voltage-gated channel auxiliary subunit alpha2delta 4; minus strand). Cytogenetic location: 12p13.33.
Variant type: single nucleotide variant.
Coding change: c.2849C>T on transcript NM_172364.5 (MANE Select); coding-DNA position 2849, C replaced by T.
Protein change: p.Ala950Val; replaces alanine 950 with valine.
Molecular consequence: missense variant.
Genome position (GRCh38, 1-based): chr12:1,801,062, G>A on the plus strand (C>T on the coding strand, the complement: CACNA2D4 is on the minus strand). VCF-style: chr12-1801062-G-A. GRCh37 (hg19) VCF-style: chr12-1910228-G-A.
Other names: short protein forms A950V.
Identifiers: ClinVar variation 949858 (VCV000949858.9), dbSNP rs1863304591, ClinGen allele CA383349131.